The following is an entry in ClinVar:

NM_032119.4(ADGRV1):c.14971C>T (p.Arg4991Ter)

Gene: ADGRV1 (adhesion G protein-coupled receptor V1; plus strand). Cytogenetic location: 5q14.3.
Variant type: single nucleotide variant.
Coding change: c.14971C>T on transcript NM_032119.4 (MANE Select); coding-DNA position 14971, C replaced by T.
Protein change: p.Arg4991Ter; replaces arginine 4991 with a stop codon.
Molecular consequence: nonsense. On other transcripts: non-coding transcript variant (1).
Genome position (GRCh38, 1-based): chr5:90,807,736, C>T. VCF-style: chr5-90807736-C-T. GRCh37 (hg19) VCF-style: chr5-90103553-C-T.
Other names: c.14971C>T (NM_032119.3); short protein forms R4991*.
Identifiers: ClinVar variation 1446555 (VCV001446555.13), dbSNP rs1233334494, ClinGen allele CA360406743.
Genomic context (GRCh38, chr5:90,807,736, plus strand): 5'-GAGGCCTTTGTTCTTCACCTATCAGGAGTGCAGAGCAGTGCTCCTGGCGGAGCTCAACTC[C>T]GGTAAGACCAACCTCATTCTCACCCAAGAAATTCTCTGAGGAATAATCTGGAATTCATCC-3'

ClinVar aggregate classification (germline): Pathogenic/Likely pathogenic. Review status: criteria provided, multiple submitters, no conflicts (2 of 4 stars). 5 submissions from 5 submitters: Pathogenic (4); Likely pathogenic (1). Last evaluated 2026-01-12.

Conditions:
Febrile seizures, familial, 4 (FEB4). Also called: CONVULSIONS, FAMILIAL FEBRILE, 4. Identifiers: MedGen C1858493, MONDO:0011443, OMIM 604352.
Usher syndrome type 2C. Also called: USHER SYNDROME, TYPE IIC; Usher syndrome, type 2B. Identifiers: Orphanet 231178, Orphanet 886, MedGen C2931213, MONDO:0011558, OMIM 605472.
ADGRV1-related disorder. Also called: ADGRV1-related disorders; ADGRV1-related condition.

Allele frequency attached by ClinVar (database versions not stated): gnomAD exomes below 0.00001 and 0.00001; TOPMed below 0.00001; gnomAD 0.00001.
gnomAD v4.1: 8 of 1,541,442 alleles (0.00052%); highest among the groups gnomAD compares: African/African-American, 0.0014%; no homozygotes.

Submissions (5):

Labcorp Genetics (formerly Invitae), Labcorp
Classification: Pathogenic. Last evaluated: 2026-01-12. Review status: criteria provided, single submitter. Criteria: Invitae Variant Classification Sherloc (09022015). Collection method: clinical testing. Allele origin: germline.
Comment: This sequence change creates a premature translational stop signal (p.Arg4991*) in the ADGRV1 gene. It is expected to result in an absent or disrupted protein product. Loss-of-function variants in ADGRV1 are known to be pathogenic (PMID: 19357117, 22135276, 22147658, 26226137, 30718709, 31047384, 32467589). This variant is present in population databases (no rsID available, gnomAD 0.004%). This premature translational stop signal has been observed in individual(s) with Usher syndrome (PMID: 29625443; internal data). In at least one individual the data is consistent with being in trans (on the opposite chromosome) from a pathogenic variant. ClinVar contains an entry for this variant (Variation ID: 1446555). For these reasons, this variant has been classified as Pathogenic.

GeneDx
Classification: Pathogenic. Last evaluated: 2025-03-07. Review status: criteria provided, single submitter. Criteria: GeneDx Variant Classification Process June 2021. Collection method: clinical testing. Allele origin: germline.
Comment: Nonsense variant predicted to result in protein truncation or nonsense mediated decay in a gene for which loss of function is a known mechanism of disease; Not observed at significant frequency in large population cohorts (gnomAD); This variant is associated with the following publications: (PMID: 38841332, 31964843, 29625443)

Women's Health and Genetics/Laboratory Corporation of America, LabCorp
Classification: Pathogenic for ADGRV1-Related Disorders. Last evaluated: 2024-11-11. Review status: criteria provided, single submitter. Criteria: LabCorp Variant Classification Summary - May 2015. Collection method: clinical testing. Allele origin: germline.
Comment: Variant summary: ADGRV1 c.14971C>T (p.Arg4991X) results in a premature termination codon, predicted to cause a truncation of the encoded protein or absence of the protein due to nonsense mediated decay, which are commonly known mechanisms for disease. The variant allele was found at a frequency of 4.4e-06 in 225712 control chromosomes. c.14971C>T has been reported in the literature in individuals affected with ADGRV1-Related Disorders (Sun_2018, Internal data). These data indicate that the variant may be associated with disease. The following publications have been ascertained in the context of this evaluation (PMID: 29625443, No_PMID). ClinVar contains an entry for this variant (Variation ID: 1446555). Based on the evidence outlined above, the variant was classified as pathogenic.

Fulgent Genetics
Classification: Pathogenic for Febrile seizures, familial, 4; Usher syndrome type 2C. Last evaluated: 2024-04-26. Review status: criteria provided, single submitter. Criteria: ACMG Guidelines, 2015. Collection method: clinical testing. Allele origin: germline.

Blueprint Genetics
Classification: Likely pathogenic for ADGRV1-related disorders. Last evaluated: 2021-06-07. Review status: criteria provided, single submitter. Criteria: ACMG Guidelines, 2015. Collection method: clinical testing. Allele origin: germline. Affected: yes. Observed: 3 variant alleles.

Literature cited by the submitters: PubMed 19357117 (cited by Labcorp Genetics (formerly Invitae), Labcorp); PubMed 22135276 (cited by Labcorp Genetics (formerly Invitae), Labcorp); PubMed 22147658 (cited by Labcorp Genetics (formerly Invitae), Labcorp); PubMed 26226137 (cited by Labcorp Genetics (formerly Invitae), Labcorp); PubMed 30718709 (cited by Labcorp Genetics (formerly Invitae), Labcorp); PubMed 31047384 (cited by Labcorp Genetics (formerly Invitae), Labcorp); PubMed 32467589 (cited by Labcorp Genetics (formerly Invitae), Labcorp); PubMed 29625443 (cited by Labcorp Genetics (formerly Invitae), Labcorp and Women's Health and Genetics/Laboratory Corporation of America, LabCorp).